The following is an entry in ClinVar:

ClinVar aggregate classification (germline): Uncertain significance (1 of 4 stars; one submission).

Conditions:
Cardiovascular phenotype. Identifiers: MedGen CN230736.

Allele frequency attached by ClinVar (database versions not stated): gnomAD exomes below 0.00001 and 0.00001; ExAC 0.00001.
gnomAD v4.1: 1 of 1,614,180 alleles (0.000062%); highest among the groups gnomAD compares: South Asian, 0.0011%; no homozygotes.

Submission:

Ambry Genetics
Classification: Uncertain significance for Cardiovascular phenotype. Last evaluated: 2017-10-05. Review status: criteria provided, single submitter. Criteria: Ambry Variant Classification Scheme 2023. Collection method: clinical testing. Allele origin: germline.
Comment: The c.-3A>G variant is located in the 5' untranslated region (5&rsquo; UTR) of the CACNB2 gene. This variant results from an A to G substitution 3 bases upstream from the first translated codon. This nucleotide position is poorly conserved in available vertebrate species. Since supporting evidence is limited at this time, the clinical significance of this alteration remains unclear.

NM_201596.3(CACNB2):c.214-61000A>G

Gene: CACNB2 (calcium voltage-gated channel auxiliary subunit beta 2; plus strand). Cytogenetic location: 10p12.32.
Variant type: single nucleotide variant.
Coding change: c.214-61000A>G on transcript NM_201596.3 (MANE Select); 61000 bases into the intron before coding-DNA position 214, A replaced by G.
Molecular consequence: intron variant. On other transcripts: 5 prime UTR variant (1).
Genome position (GRCh38, 1-based): chr10:18,340,924, A>G. VCF-style: chr10-18340924-A-G. GRCh37 (hg19) VCF-style: chr10-18629853-A-G.
Other names: c.-3A>G (NM_201590.3); c.130-61000A>G (NM_201571.4, NM_001167945.2, NM_201572.4); c.214-61000A>G (NM_201593.3, NM_201597.3); c.49-61000A>G (NM_000724.4, NM_001330060.2).
Identifiers: ClinVar variation 519519 (VCV000519519.5), dbSNP rs762796116, ClinGen allele CA5429490.
Genomic context (GRCh38, chr10:18,340,924, plus strand): 5'-AATTCTTGCTCCTGTGAAGAAAATTCCTGCTGGAGTGCTGGGCGCACTTGGAATTGGTCT[A>G]GCATGCTTGACAGACGCCTTATAGCTCCTCAAACTAAATACATTATTCCTGGGGTAAGCA-3'